The following is an entry in ClinVar:

ClinVar aggregate classification (germline): Uncertain significance (1 of 4 stars; one submission).

Conditions:
Hereditary hyperferritinemia with congenital cataracts. Also called: Hereditary hyperferritinemia cataract syndrome; Bonneau-Beaumont syndrome; HYPERFERRITINEMIA WITH OR WITHOUT CATARACT. Identifiers: Orphanet 163, MedGen C1833213, MONDO:0010952, OMIM 600886.
Neuroferritinopathy (NBIA3). Also called: NEURODEGENERATION WITH BRAIN IRON ACCUMULATION 3; BASAL GANGLIA DISEASE, ADULT-ONSET. Identifiers: Orphanet 157846, MedGen C1853578, MONDO:0011638, OMIM 606159.

Allele frequency attached by ClinVar (database versions not stated): TOPMed below 0.00001.
gnomAD v4.1: 1 of 648,320 alleles (0.00015%); no homozygotes.

Submission:

Labcorp Genetics (formerly Invitae), Labcorp
Classification: Uncertain significance for Neuroferritinopathy; Hereditary hyperferritinemia with congenital cataracts. Last evaluated: 2023-09-05. Review status: criteria provided, single submitter. Criteria: Invitae Variant Classification Sherloc (09022015). Collection method: clinical testing. Allele origin: germline.
Comment: This variant is not present in population databases (gnomAD no frequency). In summary, the available evidence is currently insufficient to determine the role of this variant in disease. Therefore, it has been classified as a Variant of Uncertain Significance. This variant has not been reported in the literature in individuals affected with FTL-related conditions. This variant occurs in a non-coding region of the FTL gene. It does not change the encoded amino acid sequence of the FTL protein.

NM_000146.4(FTL):c.-179G>A

Gene: FTL (ferritin light chain; plus strand). Cytogenetic location: 19q13.33.
Variant type: single nucleotide variant.
Coding change: c.-179G>A on transcript NM_000146.4 (MANE Select); 179 bases upstream of the start codon, G replaced by A.
Molecular consequence: 5 prime UTR variant.
Genome position (GRCh38, 1-based): chr19:48,965,329, G>A. VCF-style: chr19-48965329-G-A. GRCh37 (hg19) VCF-style: chr19-49468586-G-A.
Identifiers: ClinVar variation 2945666 (VCV002945666.3), dbSNP rs1318499287, ClinGen allele CA883052094.